The following is an entry in ClinVar:

ClinVar aggregate classification (germline): Uncertain significance (1 of 4 stars; one submission).

Conditions:
Cardiovascular phenotype. Identifiers: MedGen CN230736.

gnomAD v4.1: 2 of 1,550,366 alleles (0.00013%); highest among the groups gnomAD compares: South Asian, 0.0012%; no homozygotes.

Submission:

Ambry Genetics
Classification: Uncertain significance for Cardiovascular phenotype. Last evaluated: 2026-03-29. Review status: criteria provided, single submitter. Criteria: Ambry Variant Classification Scheme 2023. Collection method: clinical testing. Allele origin: germline.
Comment: The p.N849D variant (also known as c.2545A>G), located in coding exon 1 of the ZNF469 gene, results from an A to G substitution at nucleotide position 2545. The asparagine at codon 849 is replaced by aspartic acid, an amino acid with highly similar properties. This amino acid position is conserved. In addition, this alteration is predicted to be tolerated by in silico analysis. Based on the available evidence, the clinical significance of this variant remains unclear.

NM_001367624.2(ZNF469):c.2545A>G (p.Asn849Asp)

Gene: ZNF469 (zinc finger protein 469; plus strand). Cytogenetic location: 16q24.2.
Variant type: single nucleotide variant.
Coding change: c.2545A>G on transcript NM_001367624.2 (MANE Select); coding-DNA position 2545, A replaced by G.
Protein change: p.Asn849Asp; replaces asparagine 849 with aspartic acid.
Molecular consequence: missense variant.
Genome position (GRCh38, 1-based): chr16:88,430,015, A>G. VCF-style: chr16-88430015-A-G. GRCh37 (hg19) VCF-style: chr16-88496423-A-G.
Other names: NM_001127464.1:c.2545A>G; short protein forms N849D.
Identifiers: ClinVar variation 4866980 (VCV004866980.1).